The following is an entry in ClinVar:

NM_003024.3(ITSN1):c.1316G>A (p.Arg439Gln)

Gene: ITSN1 (intersectin 1; plus strand). Cytogenetic location: 21q22.11.
Variant type: single nucleotide variant.
Coding change: c.1316G>A on transcript NM_003024.3 (MANE Select); coding-DNA position 1316, G replaced by A.
Protein change: p.Arg439Gln; replaces arginine 439 with glutamine.
Molecular consequence: missense variant.
Genome position (GRCh38, 1-based): chr21:33,774,739, G>A. VCF-style: chr21-33774739-G-A. GRCh37 (hg19) VCF-style: chr21-35147043-G-A.
Other names: c.1316G>A, p.Arg439Gln (NM_001001132.2, NM_001331008.2, NM_001331009.2 and 2 more transcripts); c.1205G>A, p.Arg402Gln (NM_001331012.2); short protein forms R439Q, R402Q.
Identifiers: ClinVar variation 4795280 (VCV004795280.1).

ClinVar aggregate classification (germline): Uncertain significance (1 of 4 stars; one submission).

gnomAD v4.1: 5 of 1,612,484 alleles (0.00031%); highest among the groups gnomAD compares: South Asian, 0.0011%; no homozygotes.

Submission:

GeneDx
Classification: Uncertain significance. Last evaluated: 2025-08-13. Review status: criteria provided, single submitter. Criteria: GeneDx Variant Classification Process June 2021. Collection method: clinical testing. Allele origin: germline. Affected: yes.
Comment: Not observed at significant frequency in large population cohorts (gnomAD); In silico analysis suggests that this missense variant does not alter protein structure/function; Observed in at least one heterozygous clinically unaffected adult relative of an individual referred for genetic testing at GeneDx; Has not been previously published as pathogenic or benign to our knowledge